The following is an entry in ClinVar:

NM_000159.4(GCDH):c.748A>T (p.Ile250Phe)

Gene: GCDH (glutaryl-CoA dehydrogenase; plus strand). Cytogenetic location: 19p13.13.
Variant type: single nucleotide variant.
Coding change: c.748A>T on transcript NM_000159.4 (MANE Select); coding-DNA position 748, A replaced by T.
Protein change: p.Ile250Phe; replaces isoleucine 250 with phenylalanine.
Molecular consequence: missense variant. On other transcripts: non-coding transcript variant (2).
Genome position (GRCh38, 1-based): chr19:12,896,317, A>T. VCF-style: chr19-12896317-A-T. GRCh37 (hg19) VCF-style: chr19-13007131-A-T.
Other names: c.748A>T, p.Ile250Phe (NM_013976.5); short protein forms I250F.
Identifiers: ClinVar variation 658420 (VCV000658420.9), dbSNP rs1599615059, ClinGen allele CA404318813.

ClinVar aggregate classification (germline): Uncertain significance (1 of 4 stars; one submission).

Conditions:
Glutaric aciduria, type 1. Also called: Glutaric Acidemia Type 1; Glutaric acidemia type I; Glutaricaciduria, type I; GA I; Glutaricacidemia Type 1; Glutaryl-CoA dehydrogenase deficiency. Identifiers: Orphanet 25, MedGen C0268595, MONDO:0009281, OMIM 231670.

Allele frequency attached by ClinVar (database versions not stated): gnomAD exomes below 0.00001.
gnomAD v4.1: 3 of 1,614,148 alleles (0.00019%); highest among the groups gnomAD compares: South Asian, 0.0011%; no homozygotes.

Submission:

Labcorp Genetics (formerly Invitae), Labcorp
Classification: Uncertain significance for Glutaric aciduria, type 1. Last evaluated: 2018-10-19. Review status: criteria provided, single submitter. Criteria: Invitae Variant Classification Sherloc (09022015). Collection method: clinical testing. Allele origin: germline.
Comment: Algorithms developed to predict the effect of missense changes on protein structure and function are either unavailable or do not agree on the potential impact of this missense change (SIFT: "Deleterious"; PolyPhen-2: "Probably Damaging"; Align-GVGD: "Class C15"). In summary, the available evidence is currently insufficient to determine the role of this variant in disease. Therefore, it has been classified as a Variant of Uncertain Significance. This variant has not been reported in the literature in individuals with GCDH-related disease. This sequence change replaces isoleucine with phenylalanine at codon 250 of the GCDH protein (p.Ile250Phe). The isoleucine residue is highly conserved and there is a small physicochemical difference between isoleucine and phenylalanine. This variant is not present in population databases (ExAC no frequency).